The following is an entry in ClinVar:

NM_000059.4(BRCA2):c.3469G>T (p.Glu1157Ter)

Gene: BRCA2 (BRCA2 DNA repair associated; plus strand). Cytogenetic location: 13q13.1.
Variant type: single nucleotide variant.
Coding change: c.3469G>T on transcript NM_000059.4 (MANE Select); coding-DNA position 3469, G replaced by T.
Protein change: p.Glu1157Ter; replaces glutamic acid 1157 with a stop codon.
Molecular consequence: nonsense.
Genome position (GRCh38, 1-based): chr13:32,337,824, G>T. VCF-style: chr13-32337824-G-T. GRCh37 (hg19) VCF-style: chr13-32911961-G-T.
Other names: short protein forms E1157*.
Identifiers: ClinVar variation 51473 (VCV000051473.5), dbSNP rs80358595, ClinGen allele CA018132.
Genomic context (GRCh38, chr13:32,337,824, plus strand): 5'-TTGCAGAAGAGTACATTTGAAGTGCCTGAAAACCAGATGACTATCTTAAAGACCACTTCT[G>T]AGGAATGCAGAGATGCTGATCTTCATGTCATAATGAATGCCCCATCGATTGGTCAGGTAG-3'

ClinVar aggregate classification (germline): Pathogenic. Review status: reviewed by expert panel (3 of 4 stars). 4 submissions from 4 submitters: Pathogenic (1). 3 of the submissions do not count toward it. Last evaluated 2016-09-08.

Conditions:
Hereditary cancer-predisposing syndrome. Also called: Neoplastic Syndromes, Hereditary; Tumor predisposition; Hereditary Cancer Syndrome; Hereditary neoplastic syndrome. Identifiers: Orphanet 140162, MedGen C0027672, MeSH D009386, MONDO:0015356.
Breast-ovarian cancer, familial, susceptibility to, 2 (BROVCA2). Also called: BRCA2 Hereditary Breast and Ovarian Cancer. Identifiers: Orphanet 145, MedGen C2675520, MONDO:0012933, OMIM 612555. Disease mechanism: loss of function.

Submissions (4):

Evidence-based Network for the Interpretation of Germline Mutant Alleles (ENIGMA)
Classification: Pathogenic for Breast-ovarian cancer, familial, susceptibility to, 2. Last evaluated: 2016-09-08. Review status: reviewed by expert panel. Criteria: ENIGMA BRCA1/2 Classification Criteria (2015). Collection method: curation. Allele origin: germline.
Comment: Variant allele predicted to encode a truncated non-functional protein.

Ambry Genetics
Classification: Pathogenic for Hereditary cancer-predisposing syndrome. Last evaluated: 2021-08-11. Review status: criteria provided, single submitter. Criteria: Ambry Variant Classification Scheme 2023. Collection method: clinical testing. Allele origin: germline. Not counted in ClinVar's aggregate classification.
Comment: The p.E1157* pathogenic mutation (also known as c.3469G>T), located in coding exon 10 of the BRCA2 gene, results from a G to T substitution at nucleotide position 3469. This changes the amino acid from a glutamic acid to a stop codon within coding exon 10. This alteration is expected to result in loss of function by premature protein truncation or nonsense-mediated mRNA decay. As such, this alteration is interpreted as a disease-causing mutation.

Quest Diagnostics Nichols Institute San Juan Capistrano
Classification: Pathogenic. Last evaluated: 2016-10-11. Review status: criteria provided, single submitter. Criteria: Quest Diagnostics criteria. Collection method: clinical testing. Allele origin: germline. Not counted in ClinVar's aggregate classification.

Breast Cancer Information Core (BIC) (BRCA2)
Classification: Pathogenic for Breast-ovarian cancer, familial 2. Last evaluated: 2003-12-23. Review status: no assertion criteria provided. Collection method: clinical testing. Allele origin: germline. Affected: yes. Observed: 1 variant allele. Not counted in ClinVar's aggregate classification.